The following is an entry in ClinVar:

ClinVar aggregate classification (germline): Likely benign (1 of 4 stars; one submission).

Submission:

Laboratory for Molecular Medicine, Mass General Brigham Personalized Medicine
Classification: Likely benign. Last evaluated: 2016-08-24. Review status: criteria provided, single submitter. Criteria: LMM Criteria. Collection method: clinical testing. Allele origin: germline. Observed: 1 variant allele.
Comment: m.1473C>T in MTRNR1: This variant is not expected to have clinical significance because it has not been reported in individuals with hearing loss, and it has be en identified in 0.3% (4/1320) of human mitochondrial DNA sequences of the haplo group B4a. Furthermore, 10 species have a thymine (T) a t this position, including 6 mammals (squirrel, Egyptian jerboa, prarie vole, Ch inese hamster, golden hamster, mouse).

NC_012920.1(MT-RNR1):m.1473C>T

Gene: MT-RNR1 (mitochondrially encoded 12S RNA; plus strand).
Variant type: single nucleotide variant.
Genome position: chrM-1473-C-T.
Identifiers: ClinVar variation 505288 (VCV000505288.4), dbSNP rs1556422538, ClinGen allele CA658799938.
Genomic context (GRCh38, chrMT:1,473, plus strand): 5'-TCGAAGGTGGATTTAGCAGTAAACTAAGAGTAGAGTGCTTAGTTGAACAGGGCCCTGAAG[C>T]GCGTACACACCGCCCGTCACCCTCCTCAAGTATACTTCAAAGGACATTTAACTAAAACCC-3'